The following is an entry in ClinVar:

NM_021964.3(ZNF148):c.1878G>A (p.Pro626=)

Genes: ZNF148 (zinc finger protein 148; minus strand), LOC126806798 (P300/CBP strongly-dependent group 1 enhancer GRCh37_chr3:124950809-124952008; plus strand). Cytogenetic location: 3q21.2.
Variant type: single nucleotide variant.
Coding change: c.1878G>A on transcript NM_021964.3 (MANE Select); coding-DNA position 1878, G replaced by A.
Protein change: p.Pro626=; no amino-acid change (proline 626 retained).
Molecular consequence: synonymous variant.
Genome position (GRCh38, 1-based): chr3:125,232,848, C>T on the plus strand (G>A on the coding strand, the complement: ZNF148 is on the minus strand). VCF-style: chr3-125232848-C-T. GRCh37 (hg19) VCF-style: chr3-124951692-C-T.
Other names: c.1878G>A, p.Pro626= (NM_001348424.1, NM_001348425.2, NM_001348426.2 and 7 more transcripts); c.1752G>A, p.Pro584= (NM_001348434.2).
Identifiers: ClinVar variation 3053426 (VCV003053426.3), dbSNP rs369366946, ClinGen allele CA2585200.

ClinVar aggregate classification (germline): Likely benign. Review status: criteria provided, single submitter (1 of 4 stars). 2 submissions from 2 submitters: Likely benign (1). 1 of the submissions does not count toward it. Last evaluated 2025-02-21.

Conditions:
Inborn genetic diseases. Identifiers: MedGen C0950123, MeSH D030342.
ZNF148-related disorder. Also called: ZNF148-related condition.

Allele frequency attached by ClinVar (database versions not stated): gnomAD 0.00001; gnomAD exomes 0.00005; ExAC 0.00007; ESP Exome Variant Server 0.00008; TOPMed 0.00009.
gnomAD v4.1: 75 of 1,613,780 alleles (0.0046%); highest among the groups gnomAD compares: East Asian, 0.096%; 1 homozygote.

Submissions (2):

Ambry Genetics
Classification: Likely benign for Inborn genetic diseases. Last evaluated: 2025-02-21. Review status: criteria provided, single submitter. Criteria: Ambry Variant Classification Scheme 2023. Collection method: clinical testing. Allele origin: germline.

PreventionGenetics, part of Exact Sciences
Classification: Likely benign for ZNF148-related condition. Last evaluated: 2019-08-30. Review status: no assertion criteria provided. Collection method: clinical testing. Allele origin: germline. Not counted in ClinVar's aggregate classification.
Comment: This variant is classified as likely benign based on ACMG/AMP sequence variant interpretation guidelines (Richards et al. 2015 PMID: 25741868, with internal and published modifications).